The following is an entry in ClinVar:

ClinVar aggregate classification (germline): Uncertain significance (1 of 4 stars; one submission).

Allele frequency attached by ClinVar (database versions not stated): gnomAD exomes 0.00002.
gnomAD v4.1: 34 of 1,613,106 alleles (0.0021%); highest among the groups gnomAD compares: South Asian, 0.015%; no homozygotes.

Submission:

Labcorp Genetics (formerly Invitae), Labcorp
Classification: Uncertain significance. Last evaluated: 2025-08-11. Review status: criteria provided, single submitter. Criteria: Invitae Variant Classification Sherloc (09022015). Collection method: clinical testing. Allele origin: germline.
Comment: This sequence change replaces arginine, which is basic and polar, with tryptophan, which is neutral and slightly polar, at codon 654 of the DLL4 protein (p.Arg654Trp). This variant is present in population databases (rs761536904, gnomAD 0.02%). This variant has not been reported in the literature in individuals affected with DLL4-related conditions. ClinVar contains an entry for this variant (Variation ID: 1915848). Invitae Evidence Modeling of protein sequence and biophysical properties (such as structural, functional, and spatial information, amino acid conservation, physicochemical variation, residue mobility, and thermodynamic stability) indicates that this missense variant is not expected to disrupt DLL4 protein function with a negative predictive value of 80%. In summary, the available evidence is currently insufficient to determine the role of this variant in disease. Therefore, it has been classified as a Variant of Uncertain Significance.

NM_019074.4(DLL4):c.1960C>T (p.Arg654Trp)

Gene: DLL4 (delta like canonical Notch ligand 4; plus strand). Cytogenetic location: 15q15.1.
Variant type: single nucleotide variant.
Coding change: c.1960C>T on transcript NM_019074.4 (MANE Select); coding-DNA position 1960, C replaced by T.
Protein change: p.Arg654Trp; replaces arginine 654 with tryptophan.
Molecular consequence: missense variant.
Genome position (GRCh38, 1-based): chr15:40,937,434, C>T. VCF-style: chr15-40937434-C-T. GRCh37 (hg19) VCF-style: chr15-41229632-C-T.
Other names: short protein forms R654W.
Identifiers: ClinVar variation 1915848 (VCV001915848.5), dbSNP rs761536904, ClinGen allele CA7488055.